The following is an entry in ClinVar:

NM_024120.5(NDUFAF5):c.176C>A (p.Ala59Glu)

Genes: NDUFAF5 (NADH:ubiquinone oxidoreductase complex assembly factor 5; plus strand), LOC130065433 (ATAC-STARR-seq lymphoblastoid active region 17552; plus strand). Cytogenetic location: 20p12.1.
Variant type: single nucleotide variant.
Coding change: c.176C>A on transcript NM_024120.5 (MANE Select); coding-DNA position 176, C replaced by A.
Protein change: p.Ala59Glu; replaces alanine 59 with glutamic acid.
Molecular consequence: missense variant. On other transcripts: 5 prime UTR variant (3), non-coding transcript variant (7).
Genome position (GRCh38, 1-based): chr20:13,785,244, C>A. VCF-style: chr20-13785244-C-A. GRCh37 (hg19) VCF-style: chr20-13765890-C-A.
Other names: c.176C>A, p.Ala59Glu (NM_001039375.3, NM_001352408.2); c.-192C>A (NM_001352403.2); c.-406C>A (NM_001352406.2); c.-520C>A (NM_001352407.2); short protein forms A59E.
Identifiers: ClinVar variation 1033617 (VCV001033617.1), dbSNP rs1980770637, ClinGen allele CA408282408.
Genomic context (GRCh38, chr20:13,785,244, plus strand): 5'-CCTCGCCCAGAACCCTGAATATTTTCGACCGGGATTTGAAAAGGAAACAGAAGAACTGGG[C>A]AGCCCGGCAGCCCGAGCCGACCAAATTTGACTACCTGAAGGAGGAGGTGAGCCCGCGGGG-3'
Protein context (NP_077025.2, residues 49-69): RDLKRKQKNW[Ala59Glu]ARQPEPTKFD

ClinVar aggregate classification (germline): Uncertain significance (1 of 4 stars; one submission).

Conditions:
Mitochondrial complex I deficiency, nuclear type 1. Also called: NADH-COENZYME Q REDUCTASE DEFICIENCY; MITOCHONDRIAL NADH DEHYDROGENASE COMPONENT OF COMPLEX I, DEFICIENCY OF. Identifiers: MedGen C6022305, MONDO:0100224, OMIM 252010.

Submission:

Baylor Genetics
Classification: Uncertain significance for Mitochondrial complex I deficiency, nuclear type 1. Last evaluated: 2018-10-24. Review status: criteria provided, single submitter. Criteria: ACMG Guidelines, 2015. Collection method: clinical testing. Allele origin: maternal. Affected: yes.
Comment: This variant was determined to be of uncertain significance according to ACMG Guidelines, 2015 [PMID:25741868].